The following is an entry in ClinVar:

NM_053013.4(ENO3):c.548G>T (p.Arg183Leu)

Gene: ENO3 (enolase 3; plus strand). Cytogenetic location: 17p13.2.
Variant type: single nucleotide variant.
Coding change: c.548G>T on transcript NM_053013.4 (MANE Select); coding-DNA position 548, G replaced by T.
Protein change: p.Arg183Leu; replaces arginine 183 with leucine.
Molecular consequence: missense variant.
Genome position (GRCh38, 1-based): chr17:4,955,178, G>T. VCF-style: chr17-4955178-G-T. GRCh37 (hg19) VCF-style: chr17-4858473-G-T.
Other names: c.419G>T, p.Arg140Leu (NM_001193503.2); c.548G>T, p.Arg183Leu (NM_001374523.1, NM_001976.5); c.575G>T, p.Arg192Leu (NM_001374524.1); short protein forms R140L, R183L, R192L.
Identifiers: ClinVar variation 3627748 (VCV003627748.2).
Genomic context (GRCh38, chr17:4,955,178, plus strand): 5'-TGGCCATGCAGGAGTTCATGATTCTGCCTGTGGGAGCCAGCTCCTTCAAGGAAGCCATGC[G>T]CATTGGCGCCGAGGTCTACCACCACCTCAAGGGGGTCATCAAGGCCAAGTATGGGAAGGA-3'
Protein context (NP_443739.3, residues 173-193): VGASSFKEAM[Arg183Leu]IGAEVYHHLK

ClinVar aggregate classification (germline): Uncertain significance (1 of 4 stars; one submission).

Conditions:
Glycogen storage disease due to muscle beta-enolase deficiency (GSD13). Also called: ENOLASE 3 DEFICIENCY; ENOLASE-BETA DEFICIENCY; GSD XIII; Glycogen Storage Disease Type XIII. Identifiers: Orphanet 99849, MedGen C2752027, MONDO:0013046, OMIM 612932.

Submission:

Labcorp Genetics (formerly Invitae), Labcorp
Classification: Uncertain significance for Glycogen storage disease due to muscle beta-enolase deficiency. Last evaluated: 2024-03-10. Review status: criteria provided, single submitter. Criteria: Invitae Variant Classification Sherloc (09022015). Collection method: clinical testing. Allele origin: germline.
Comment: This sequence change replaces arginine, which is basic and polar, with leucine, which is neutral and non-polar, at codon 183 of the ENO3 protein (p.Arg183Leu). This variant is not present in population databases (gnomAD no frequency). This variant has not been reported in the literature in individuals affected with ENO3-related conditions. Advanced modeling of protein sequence and biophysical properties (such as structural, functional, and spatial information, amino acid conservation, physicochemical variation, residue mobility, and thermodynamic stability) performed at Invitae indicates that this missense variant is not expected to disrupt ENO3 protein function with a negative predictive value of 80%. In summary, the available evidence is currently insufficient to determine the role of this variant in disease. Therefore, it has been classified as a Variant of Uncertain Significance.